The following is an entry in ClinVar:

NM_004320.6(ATP2A1):c.428G>A (p.Arg143Gln)

Gene: ATP2A1 (ATPase sarcoplasmic/endoplasmic reticulum Ca2+ transporting 1; plus strand). Cytogenetic location: 16p11.2.
Variant type: single nucleotide variant.
Coding change: c.428G>A on transcript NM_004320.6 (MANE Select); coding-DNA position 428, G replaced by A.
Protein change: p.Arg143Gln; replaces arginine 143 with glutamine.
Molecular consequence: missense variant.
Genome position (GRCh38, 1-based): chr16:28,882,554, G>A. VCF-style: chr16-28882554-G-A. GRCh37 (hg19) VCF-style: chr16-28893875-G-A.
Other names: c.428G>A (NM_173201.4, NM_004320.4); c.53G>A, p.Arg18Gln (NM_001286075.2); c.428G>A, p.Arg143Gln (NM_173201.5); short protein forms R143Q, R18Q.
Identifiers: ClinVar variation 464089 (VCV000464089.16), dbSNP rs750195772, ClinGen allele CA7986641.

ClinVar aggregate classification (germline): Conflicting classifications of pathogenicity. Review status: criteria provided, conflicting classifications (1 of 4 stars). 6 submissions from 6 submitters: Pathogenic (1); Uncertain significance (5). Last evaluated 2026-04-03.

Conditions:
Brody myopathy. Also called: BRODY DISEASE. Identifiers: Orphanet 53347, MedGen C1832918, MONDO:0010977, OMIM 601003.

Allele frequency attached by ClinVar (database versions not stated): gnomAD 0.00005; TOPMed 0.00005; ExAC 0.00015; gnomAD exomes 0.00013.
gnomAD v4.1: 152 of 1,614,184 alleles (0.0094%); highest among the groups gnomAD compares: Middle Eastern, 0.16%; 1 homozygote.

Submissions (6):

GeneDx
Classification: Uncertain significance. Last evaluated: 2026-04-03. Review status: criteria provided, single submitter. Criteria: GeneDx Variant Classification Process June 2021. Collection method: clinical testing. Allele origin: germline.
Comment: Reported previously with a second variant in a patient with exercise induced muscle stiffness; however, segregation information was not provided (PMID: 32040565); In silico analysis supports that this missense variant has a deleterious effect on protein structure/function; This variant is associated with the following publications: (PMID: 38125752, 32528171, Johnson2017[abstract], 32040565)

Revvity Omics, Revvity
Classification: Uncertain significance for Brody myopathy. Last evaluated: 2025-07-23. Review status: criteria provided, single submitter. Criteria: ACMG Guidelines, 2015. Collection method: clinical testing. Allele origin: germline.

Suna and Inan Kirac Foundation Neurodegeneration Research Laboratory, Koc University
Classification: Pathogenic for Brody myopathy. Last evaluated: 2023-08-07. Review status: criteria provided, single submitter. Criteria: ACMG Guidelines, 2015. Collection method: research. Allele origin: germline. Inheritance: Autosomal recessive inheritance. Affected: no and yes. Observed: 4 variant alleles, 4 heterozygotes, 1 homozygote.

Labcorp Genetics (formerly Invitae), Labcorp
Classification: Uncertain significance for Brody myopathy. Last evaluated: 2022-09-06. Review status: criteria provided, single submitter. Criteria: Invitae Variant Classification Sherloc (09022015). Collection method: clinical testing. Allele origin: germline.
Comment: This sequence change replaces arginine, which is basic and polar, with glutamine, which is neutral and polar, at codon 143 of the ATP2A1 protein (p.Arg143Gln). This variant is present in population databases (rs750195772, gnomAD 0.07%). This missense change has been observed in individual(s) with Brody myopathy (PMID: 32040565). ClinVar contains an entry for this variant (Variation ID: 464089). Algorithms developed to predict the effect of missense changes on protein structure and function (SIFT, PolyPhen-2, Align-GVGD) all suggest that this variant is likely to be tolerated. In summary, the available evidence is currently insufficient to determine the role of this variant in disease. Therefore, it has been classified as a Variant of Uncertain Significance.

Illumina Laboratory Services, Illumina
Classification: Uncertain significance for Brody myopathy. Last evaluated: 2018-01-13. Review status: criteria provided, single submitter. Criteria: ICSL Variant Classification Criteria 13 December 2019. Collection method: clinical testing. Allele origin: germline.

Breakthrough Genomics
Classification: Uncertain significance. Review status: criteria provided, single submitter. Criteria: ACMG Guidelines, 2015. Collection method: not provided. Allele origin: germline. Inheritance: Autosomal recessive inheritance. Affected: yes.

Literature cited by the submitters: PubMed 32040565 (cited by Suna and Inan Kirac Foundation Neurodegeneration Research Laboratory, Koc University and Labcorp Genetics (formerly Invitae), Labcorp).